The following is an entry in ClinVar:

NM_000368.5(TSC1):c.2597T>G (p.Leu866Arg)

Gene: TSC1 (TSC complex subunit 1; minus strand). Cytogenetic location: 9q34.13.
Variant type: single nucleotide variant.
Coding change: c.2597T>G on transcript NM_000368.5 (MANE Select); coding-DNA position 2597, T replaced by G.
Protein change: p.Leu866Arg; replaces leucine 866 with arginine.
Molecular consequence: missense variant. On other transcripts: non-coding transcript variant (5).
Genome position (GRCh38, 1-based): chr9:132,900,743, A>C on the plus strand (T>G on the coding strand, the complement: TSC1 is on the minus strand). VCF-style: chr9-132900743-A-C. GRCh37 (hg19) VCF-style: chr9-135776130-A-C.
Other names: c.2594T>G, p.Leu865Arg (NM_001162426.2, NM_001406597.1, NM_001406598.1 and 2 more transcripts); c.2444T>G, p.Leu815Arg (NM_001162427.2, NM_001406610.1); c.2234T>G, p.Leu745Arg (NM_001362177.2, NM_001406614.1, NM_001406615.1 and 4 more transcripts); c.2597T>G, p.Leu866Arg (NM_001406592.1, NM_001406593.1, NM_001406594.1 and 2 more transcripts); c.2552T>G, p.Leu851Arg (NM_001406608.1, NM_001406609.1); c.2441T>G, p.Leu814Arg (NM_001406611.1, NM_001406612.1); c.2399T>G, p.Leu800Arg (NM_001406613.1); c.1643T>G, p.Leu548Arg (NM_001406627.1, NM_001406628.1); and 8 more; short protein forms L515R, L548R, L549R, L730R, L731R, L744R, L745R, L800R.
Identifiers: ClinVar variation 3071690 (VCV003071690.1), dbSNP rs1845328263, ClinGen allele CA375369937.

ClinVar aggregate classification (germline): Uncertain significance (1 of 4 stars; one submission).

Conditions:
Tuberous sclerosis syndrome (TSC). Also called: Tuberous Sclerosis Complex; Tuberous sclerosis. Identifiers: Orphanet 805, MedGen C0041341, MONDO:0001734.

Allele frequency attached by ClinVar (database versions not stated): gnomAD 0.00001.
gnomAD v4.1: 1 of 1,614,076 alleles (0.000062%); highest among the groups gnomAD compares: Admixed American, 0.0017%; no homozygotes.

Submission:

All of Us Research Program, National Institutes of Health
Classification: Uncertain significance for Tuberous sclerosis syndrome. Last evaluated: 2023-06-28. Review status: criteria provided, single submitter. Criteria: ACMG Guidelines, 2015. Collection method: clinical testing. Allele origin: germline. Inheritance: Autosomal dominant inheritance. Observed: 1 variant allele, 1 heterozygote.
Comment: This study involves interpretation of variants in research participants for the purpose of population health screening. Participant phenotype was not available at the time of variant classification. Additional details can be found in publication PMID: 35346344, PMCID: PMC8962531